The following is an entry in ClinVar:

ClinVar aggregate classification (germline): Uncertain significance (1 of 4 stars; one submission).

Conditions:
Inborn genetic diseases. Identifiers: MedGen C0950123, MeSH D030342.

Allele frequency attached by ClinVar (database versions not stated): ExAC 0.00001; gnomAD exomes 0.00001; TOPMed 0.00002; gnomAD 0.00003.

Submission:

Ambry Genetics
Classification: Uncertain significance for Inborn genetic diseases. Last evaluated: 2021-09-02. Review status: criteria provided, single submitter. Criteria: Ambry Variant Classification Scheme 2023. Collection method: clinical testing. Allele origin: germline.
Comment: The c.647+2dupT intronic alteration consists of a duplication of T two nucleotides after exon 5 of the ATXN10 gene. Alterations that disrupt the canonical splice donor site are typically deleterious in nature (Richards, 2015). Based on insufficient or conflicting evidence, the clinical significance of this alteration remains unclear.

NM_013236.4(ATXN10):c.647+2dup

Gene: ATXN10 (ataxin 10; plus strand). Cytogenetic location: 22q13.31.
Variant type: Duplication.
Coding change: c.647+2dup on transcript NM_013236.4 (MANE Select); the canonical splice donor site of the intron after coding-DNA position 647, one base duplicated (T; older notation c.647+2dupT).
Molecular consequence: splice donor variant.
Genome position (GRCh38, 1-based): chr22:45,702,849, T duplicated. VCF-style (leftmost placement, unchanged base first): chr22-45702848-G-GT. GRCh37 (hg19) VCF-style: chr22-46098728-G-GT.
Other names: c.455+2dup (NM_001167621.2).
Identifiers: ClinVar variation 2241427 (VCV002241427.2), dbSNP rs752911521, ClinGen allele CA10287601.